The following is an entry in ClinVar:

NM_001321120.2(TBX4):c.1579C>T (p.Arg527Ter)

Gene: TBX4 (T-box transcription factor 4; plus strand). Cytogenetic location: 17q23.2.
Variant type: single nucleotide variant.
Coding change: c.1579C>T on transcript NM_001321120.2 (MANE Select); coding-DNA position 1579, C replaced by T.
Protein change: p.Arg527Ter; replaces arginine 527 with a stop codon.
Molecular consequence: nonsense.
Genome position (GRCh38, 1-based): chr17:61,483,454, C>T. VCF-style: chr17-61483454-C-T. GRCh37 (hg19) VCF-style: chr17-59560815-C-T.
Other names: c.1576C>T, p.Arg526Ter (NM_018488.3); short protein forms R526*, R527*.
Identifiers: ClinVar variation 842729 (VCV000842729.10), dbSNP rs200436565, ClinGen allele CA8690125.

ClinVar aggregate classification (germline): Pathogenic. Review status: criteria provided, multiple submitters, no conflicts (2 of 4 stars). 2 submissions from 2 submitters: Pathogenic (2). Last evaluated 2025-01-16.

Conditions:
Autosomal recessive amelia. Identifiers: Orphanet 1027, MedGen C1832432, MONDO:0011054, OMIM 601360.

Allele frequency attached by ClinVar (database versions not stated): ExAC 0.00003; gnomAD exomes 0.00004; TOPMed 0.00006; ESP Exome Variant Server 0.00008.
gnomAD v4.1: 147 of 1,614,064 alleles (0.0091%); highest among the groups gnomAD compares: Non-Finnish European, 0.012%; 1 homozygote.

Submissions (2):

First Genomix Gene Laboratory, Genetic Diagnostics Department
Classification: Pathogenic for Autosomal recessive amelia. Last evaluated: 2025-01-16. Review status: criteria provided, single submitter. Criteria: ACMG Guidelines, 2015. Collection method: clinical testing. Allele origin: germline. Inheritance: Autosomal recessive inheritance. Affected: no. Observed: 1 variant allele.

Labcorp Genetics (formerly Invitae), Labcorp
Classification: Pathogenic. Last evaluated: 2023-05-04. Review status: criteria provided, single submitter. Criteria: Invitae Variant Classification Sherloc (09022015). Collection method: clinical testing. Allele origin: germline.
Comment: This variant has not been reported in the literature in individuals affected with TBX4-related conditions. This variant is present in population databases (rs200436565, gnomAD 0.009%). This sequence change creates a premature translational stop signal (p.Arg526*) in the TBX4 gene. While this is not anticipated to result in nonsense mediated decay, it is expected to disrupt the last 20 amino acid(s) of the TBX4 protein. ClinVar contains an entry for this variant (Variation ID: 842729). For these reasons, this variant has been classified as Pathogenic. This variant disrupts a region of the TBX4 protein in which other variant(s) (p.Gln531Arg) have been determined to be pathogenic (PMID: 15106123). This suggests that this is a clinically significant region of the protein, and that variants that disrupt it are likely to be disease-causing.

Literature cited by the submitters: PubMed 15106123 (cited by Labcorp Genetics (formerly Invitae), Labcorp).